The following is an entry in ClinVar:

ClinVar aggregate classification (germline): Benign. Review status: criteria provided, multiple submitters, no conflicts (2 of 4 stars). 4 submissions from 4 submitters: Benign (4). Last evaluated 2026-02-03.

Allele frequency attached by ClinVar (database versions not stated): gnomAD exomes 0.00099 and 0.00263; ExAC 0.00297; 1000 Genomes Project 0.01058; gnomAD 0.01061 and 0.01132; ESP Exome Variant Server 0.01107; 1000 Genomes Project 30x 0.01109; TOPMed 0.01180.
gnomAD v4.1: 3,129 of 1,614,170 alleles (0.19%); highest among the groups gnomAD compares: African/African-American, 3.7%; 57 homozygotes.

Submissions (4):

Labcorp Genetics (formerly Invitae), Labcorp
Classification: Benign. Last evaluated: 2026-02-03. Review status: criteria provided, single submitter. Criteria: Invitae Variant Classification Sherloc (09022015). Collection method: clinical testing. Allele origin: germline.

Mayo Clinic Laboratories, Mayo Clinic
Classification: Benign. Last evaluated: 2022-08-03. Review status: criteria provided, single submitter. Criteria: ACMG Guidelines, 2015. Collection method: clinical testing. Allele origin: germline. Observed: 2 variant alleles.
Comment: BS1, BS2, BP4, BP7

GeneDx
Classification: Benign. Last evaluated: 2018-11-07. Review status: criteria provided, single submitter. Criteria: GeneDx Variant Classification Process June 2021. Collection method: clinical testing. Allele origin: germline. Affected: yes.

Breakthrough Genomics
Classification: Benign. Review status: criteria provided, single submitter. Criteria: ACMG Guidelines, 2015. Collection method: not provided. Allele origin: germline. Inheritance: Autosomal dominant inheritance. Affected: yes.

NM_004958.4(MTOR):c.6783C>T (p.Leu2261=)

Gene: MTOR (mechanistic target of rapamycin kinase; minus strand). Cytogenetic location: 1p36.22.
Variant type: single nucleotide variant.
Coding change: c.6783C>T on transcript NM_004958.4 (MANE Select); coding-DNA position 6783, C replaced by T.
Protein change: p.Leu2261=; no amino-acid change (leucine 2261 retained).
Molecular consequence: synonymous variant.
Genome position (GRCh38, 1-based): chr1:11,122,006, G>A on the plus strand (C>T on the coding strand, the complement: MTOR is on the minus strand). VCF-style: chr1-11122006-G-A. GRCh37 (hg19) VCF-style: chr1-11182063-G-A.
Other names: p.Leu2261=; c.6783C>T (LRG_734t1).
Identifiers: ClinVar variation 414910 (VCV000414910.16), dbSNP rs55951261, ClinGen allele CA589017.
Genomic context (GRCh38, chr1:11,122,006, plus strand): 5'-AGGGGCACTAGCTCTCGTGGCCGCATCACATACCCGCAACATGATGCGATGCTCGATGTT[G>A]AGAAGGATCTTCTTCTTCTCCCTGTAGTCCCGGATGAGGGCGTGCAGTGTGTCACAGTGG-3'
Protein context (NP_004949.1, residues 2251-2271): RDYREKKKIL[Leu2261=]NIEHRIMLRM